The following is an entry in ClinVar:

ClinVar aggregate classification (germline): Uncertain significance. Review status: criteria provided, multiple submitters, no conflicts (2 of 4 stars). 2 submissions from 2 submitters: Uncertain significance (2). Last evaluated 2025-12-02.

Conditions:
Inborn genetic diseases. Identifiers: MedGen C0950123, MeSH D030342.

Allele frequency attached by ClinVar (database versions not stated): ESP Exome Variant Server 0.00008; gnomAD 0.00005; TOPMed 0.00002.

Submissions (2):

Ambry Genetics
Classification: Uncertain significance for Inborn genetic diseases. Last evaluated: 2025-12-02. Review status: criteria provided, single submitter. Criteria: Ambry Variant Classification Scheme 2023. Collection method: clinical testing. Allele origin: germline.

Labcorp Genetics (formerly Invitae), Labcorp
Classification: Uncertain significance. Last evaluated: 2023-12-11. Review status: criteria provided, single submitter. Criteria: Invitae Variant Classification Sherloc (09022015). Collection method: clinical testing. Allele origin: germline.
Comment: This sequence change replaces methionine, which is neutral and non-polar, with isoleucine, which is neutral and non-polar, at codon 1517 of the SPEG protein (p.Met1517Ile). This variant is present in population databases (rs367579778, gnomAD 0.01%). This variant has not been reported in the literature in individuals affected with SPEG-related conditions. ClinVar contains an entry for this variant (Variation ID: 2172541). An algorithm developed to predict the effect of missense changes on protein structure and function (PolyPhen-2) suggests that this variant¬†is likely to be tolerated. In summary, the available evidence is currently insufficient to determine the role of this variant in disease. Therefore, it has been classified as a Variant of Uncertain Significance.

NM_005876.5(SPEG):c.4551G>A (p.Met1517Ile)

Gene: SPEG (striated muscle enriched protein kinase; plus strand). Cytogenetic location: 2q35.
Variant type: single nucleotide variant.
Coding change: c.4551G>A on transcript NM_005876.5 (MANE Select); coding-DNA position 4551, G replaced by A.
Protein change: p.Met1517Ile; replaces methionine 1517 with isoleucine.
Molecular consequence: missense variant.
Genome position (GRCh38, 1-based): chr2:219,476,973, G>A. VCF-style: chr2-219476973-G-A. GRCh37 (hg19) VCF-style: chr2-220341695-G-A.
Other names: c.4551G>A (NM_005876.4); short protein forms M1517I.
Identifiers: ClinVar variation 2172541 (VCV002172541.5), dbSNP rs367579778, ClinGen allele CA2126535.